The following is an entry in ClinVar:

ClinVar aggregate classification (germline): Uncertain significance. Review status: criteria provided, multiple submitters, no conflicts (2 of 4 stars). 2 submissions from 2 submitters: Uncertain significance (2). Last evaluated 2022-07-15.

Allele frequency attached by ClinVar (database versions not stated): ExAC 0.00001; TOPMed 0.00001; gnomAD 0.00003.
gnomAD v4.1: 63 of 1,613,742 alleles (0.0039%); highest among the groups gnomAD compares: East Asian, 0.13%; no homozygotes.

Submissions (2):

Labcorp Genetics (formerly Invitae), Labcorp
Classification: Uncertain significance. Last evaluated: 2022-07-15. Review status: criteria provided, single submitter. Criteria: Invitae Variant Classification Sherloc (09022015). Collection method: clinical testing. Allele origin: germline.
Comment: This sequence change replaces arginine, which is basic and polar, with glutamine, which is neutral and polar, at codon 147 of the DDRGK1 protein (p.Arg147Gln). This variant is present in population databases (rs775065102, gnomAD 0.02%). This variant has not been reported in the literature in individuals affected with DDRGK1-related conditions. Algorithms developed to predict the effect of missense changes on protein structure and function are either unavailable or do not agree on the potential impact of this missense change (SIFT: "Not Available"; PolyPhen-2: "Possibly Damaging"; Align-GVGD: "Not Available"). In summary, the available evidence is currently insufficient to determine the role of this variant in disease. Therefore, it has been classified as a Variant of Uncertain Significance.

Breakthrough Genomics
Classification: Uncertain significance. Review status: criteria provided, single submitter. Criteria: ACMG Guidelines, 2015. Collection method: not provided. Allele origin: germline. Inheritance: Autosomal dominant inheritance. Affected: yes.

NM_023935.3(DDRGK1):c.440G>A (p.Arg147Gln)

Gene: DDRGK1 (DDRGK domain containing 1; minus strand). Cytogenetic location: 20p13.
Variant type: single nucleotide variant.
Coding change: c.440G>A on transcript NM_023935.3 (MANE Select); coding-DNA position 440, G replaced by A.
Protein change: p.Arg147Gln; replaces arginine 147 with glutamine.
Molecular consequence: missense variant.
Genome position (GRCh38, 1-based): chr20:3,200,071, C>T on the plus strand (G>A on the coding strand, the complement: DDRGK1 is on the minus strand). VCF-style: chr20-3200071-C-T. GRCh37 (hg19) VCF-style: chr20-3180717-C-T.
Other names: short protein forms R147Q.
Identifiers: ClinVar variation 1926897 (VCV001926897.6), dbSNP rs775065102, ClinGen allele CA9740933.
Genomic context (GRCh38, chr20:3,200,071, plus strand): 5'-TCCTCCAGGCGAAGCCGCTCCTCCTCCTTCTTCCACTCAGCTTCGCGCTGGGACTCGAGT[C>T]GTTTCCGCTCCTCACGTTCAGCCTCCTCTGCCTGGAGAGAGGTCTTCATAGGGGCACATC-3'
Protein context (NP_076424.1, residues 137-157): AEEAEREERK[Arg147Gln]LESQREAEWK